The following is an entry in ClinVar:

ClinVar aggregate classification (germline): Benign. Review status: criteria provided, multiple submitters, no conflicts (2 of 4 stars). 4 submissions from 4 submitters: Benign (4). Last evaluated 2019-12-31.

Allele frequency attached by ClinVar (database versions not stated): ExAC 0.00571; gnomAD 0.02062 and 0.01913; 1000 Genomes Project 30x 0.02202; gnomAD exomes 0.00484; TOPMed 0.02175; ESP Exome Variant Server 0.02068; 1000 Genomes Project 0.01917.
gnomAD v4.1: 5,834 of 1,613,388 alleles (0.36%); highest among the groups gnomAD compares: African/African-American, 6.7%; 190 homozygotes.

Submissions (4):

Labcorp Genetics (formerly Invitae), Labcorp
Classification: Benign. Last evaluated: 2019-12-31. Review status: criteria provided, single submitter. Criteria: Invitae Variant Classification Sherloc (09022015). Collection method: clinical testing. Allele origin: germline.

GeneDx
Classification: Benign. Last evaluated: 2017-12-01. Review status: criteria provided, single submitter. Criteria: GeneDx Variant Classification (06012015). Collection method: clinical testing. Allele origin: germline. Affected: yes.
Comment: This variant is considered likely benign or benign based on one or more of the following criteria: it is a conservative change, it occurs at a poorly conserved position in the protein, it is predicted to be benign by multiple in silico algorithms, and/or has population frequency not consistent with disease.

Laboratory for Molecular Medicine, Mass General Brigham Personalized Medicine
Classification: Benign. Last evaluated: 2012-05-07. Review status: criteria provided, single submitter. Criteria: LMM Criteria. Collection method: clinical testing. Allele origin: germline. Observed: 7 variant alleles.
Comment: Glu1009Ala in Exon 28 of MYO1A: This variant is not expected to have clinical si gnificance because it has been identified in 6.3% (235/3738) of African American chromosomes from a broad population by the NHLBI Exome Sequencing Project (dbSNP rs76394585).

Breakthrough Genomics
Classification: Benign. Review status: criteria provided, single submitter. Criteria: ACMG Guidelines, 2015. Collection method: not provided. Allele origin: germline. Inheritance: Unknown mechanism. Affected: yes.

NM_005379.4(MYO1A):c.3026A>C (p.Glu1009Ala)

Gene: MYO1A (myosin IA; minus strand). Cytogenetic location: 12q13.3.
Variant type: single nucleotide variant.
Coding change: c.3026A>C on transcript NM_005379.4 (MANE Select); coding-DNA position 3026, A replaced by C.
Protein change: p.Glu1009Ala; replaces glutamic acid 1009 with alanine.
Molecular consequence: missense variant.
Genome position (GRCh38, 1-based): chr12:57,028,861, T>G on the plus strand (A>C on the coding strand, the complement: MYO1A is on the minus strand). VCF-style: chr12-57028861-T-G. GRCh37 (hg19) VCF-style: chr12-57422645-T-G.
Other names: c.3026A>C, p.Glu1009Ala (NM_001256041.2); short protein forms E1009A.
Identifiers: ClinVar variation 178621 (VCV000178621.9), dbSNP rs76394585, ClinGen allele CA182682.